The following is an entry in ClinVar:

ClinVar aggregate classification (germline): Uncertain significance (1 of 4 stars; one submission).

Conditions:
Encephalopathy, acute, infection-induced (herpes-specific), susceptibility to, 1. Also called: Herpes simplex encephalitis, susceptibility to, 1. Identifiers: Orphanet 1930, MedGen C2750180, MONDO:0024563, OMIM 610551.

Submission:

Labcorp Genetics (formerly Invitae), Labcorp
Classification: Uncertain significance for Encephalopathy, acute, infection-induced (herpes-specific), susceptibility to, 1. Last evaluated: 2022-09-12. Review status: criteria provided, single submitter. Criteria: Invitae Variant Classification Sherloc (09022015). Collection method: clinical testing. Allele origin: germline.
Comment: In summary, the available evidence is currently insufficient to determine the role of this variant in disease. Therefore, it has been classified as a Variant of Uncertain Significance. Algorithms developed to predict the effect of missense changes on protein structure and function (SIFT, PolyPhen-2, Align-GVGD) all suggest that this variant is likely to be tolerated. This variant has not been reported in the literature in individuals affected with TLR3-related conditions. This variant is not present in population databases (gnomAD no frequency). This sequence change replaces glutamine, which is neutral and polar, with leucine, which is neutral and non-polar, at codon 753 of the TLR3 protein (p.Gln753Leu).

NM_003265.3(TLR3):c.2258A>T (p.Gln753Leu)

Gene: TLR3 (toll like receptor 3; plus strand). Cytogenetic location: 4q35.1.
Variant type: single nucleotide variant.
Coding change: c.2258A>T on transcript NM_003265.3 (MANE Select); coding-DNA position 2258, A replaced by T.
Protein change: p.Gln753Leu; replaces glutamine 753 with leucine.
Molecular consequence: missense variant.
Genome position (GRCh38, 1-based): chr4:186,083,944, A>T. VCF-style: chr4-186083944-A-T. GRCh37 (hg19) VCF-style: chr4-187005098-A-T.
Other names: short protein forms Q753L.
Identifiers: ClinVar variation 2097276 (VCV002097276.4), dbSNP rs757922812, ClinGen allele CA358935971.